The following is an entry in ClinVar:

NM_006254.4(PRKCD):c.769C>T (p.Gln257Ter)

Gene: PRKCD (protein kinase C delta; plus strand). Cytogenetic location: 3p21.1.
Variant type: single nucleotide variant.
Coding change: c.769C>T on transcript NM_006254.4 (MANE Select); coding-DNA position 769, C replaced by T.
Protein change: p.Gln257Ter; replaces glutamine 257 with a stop codon.
Molecular consequence: nonsense.
Genome position (GRCh38, 1-based): chr3:53,183,563, C>T. VCF-style: chr3-53183563-C-T. GRCh37 (hg19) VCF-style: chr3-53217579-C-T.
Other names: c.769C>T, p.Gln257Ter (NM_001316327.2, NM_001354679.2, NM_001354680.2 and 1 more transcripts); c.826C>T, p.Gln276Ter (NM_001354676.2); c.817C>T, p.Gln273Ter (NM_001354678.2); short protein forms Q257*, Q273*, Q276*.
Identifiers: ClinVar variation 4845698 (VCV004845698.1).

ClinVar aggregate classification (germline): Likely pathogenic (1 of 4 stars; one submission).

Conditions:
Autoimmune lymphoproliferative syndrome, type III caused by mutation in PRKCD. Identifiers: Orphanet 3261, Orphanet 664711, MedGen C3809928, MONDO:8000024, OMIM 615559.

Submission:

First Genomix Gene Laboratory, Genetic Diagnostics Department
Classification: Likely pathogenic for Autoimmune lymphoproliferative syndrome, type III caused by mutation in PRKCD. Last evaluated: 2025-01-17. Review status: criteria provided, single submitter. Criteria: ACMG Guidelines, 2015. Collection method: clinical testing. Allele origin: germline. Inheritance: Autosomal recessive inheritance. Affected: no. Observed: 1 variant allele.